The following is an entry in ClinVar:

ClinVar aggregate classification (germline): Uncertain significance. Review status: criteria provided, multiple submitters, no conflicts (2 of 4 stars). 2 submissions from 2 submitters: Uncertain significance (2). Last evaluated 2025-01-26.

Conditions:
Inborn genetic diseases. Identifiers: MedGen C0950123, MeSH D030342.

Allele frequency attached by ClinVar (database versions not stated): gnomAD 0.00002; TOPMed 0.00002.
gnomAD v4.1: 42 of 1,574,668 alleles (0.0027%); highest among the groups gnomAD compares: Non-Finnish European, 0.0035%; no homozygotes.

Submissions (2):

Ambry Genetics
Classification: Uncertain significance for Inborn genetic diseases. Last evaluated: 2025-01-26. Review status: criteria provided, single submitter. Criteria: Ambry Variant Classification Scheme 2023. Collection method: clinical testing. Allele origin: germline.

Labcorp Genetics (formerly Invitae), Labcorp
Classification: Uncertain significance. Last evaluated: 2022-04-29. Review status: criteria provided, single submitter. Criteria: Invitae Variant Classification Sherloc (09022015). Collection method: clinical testing. Allele origin: germline.
Comment: This sequence change replaces threonine, which is neutral and polar, with proline, which is neutral and non-polar, at codon 3972 of the FRAS1 protein (p.Thr3972Pro). This variant is present in population databases (rs750017562, gnomAD 0.003%). This variant has not been reported in the literature in individuals affected with FRAS1-related conditions. Algorithms developed to predict the effect of missense changes on protein structure and function are either unavailable or do not agree on the potential impact of this missense change (SIFT: "Deleterious"; PolyPhen-2: "Probably Damaging"; Align-GVGD: "Class C0"). In summary, the available evidence is currently insufficient to determine the role of this variant in disease. Therefore, it has been classified as a Variant of Uncertain Significance.

NM_025074.7(FRAS1):c.11914A>C (p.Thr3972Pro)

Gene: FRAS1 (Fraser extracellular matrix complex subunit 1; plus strand). Cytogenetic location: 4q21.21.
Variant type: single nucleotide variant.
Coding change: c.11914A>C on transcript NM_025074.7 (MANE Select); coding-DNA position 11914, A replaced by C.
Protein change: p.Thr3972Pro; replaces threonine 3972 with proline.
Molecular consequence: missense variant.
Genome position (GRCh38, 1-based): chr4:78,540,999, A>C. VCF-style: chr4-78540999-A-C. GRCh37 (hg19) VCF-style: chr4-79462153-A-C.
Other names: c.11914A>C (NM_025074.6); short protein forms T3972P.
Identifiers: ClinVar variation 1944171 (VCV001944171.3), dbSNP rs750017562, ClinGen allele CA2979331.